The following is an entry in ClinVar:

ClinVar aggregate classification (germline): Pathogenic (1 of 4 stars; one submission).

Conditions:
Primary ciliary dyskinesia. Also called: Ciliary dyskinesia. Identifiers: Orphanet 244, MedGen C0008780, MONDO:0016575, HP:0012265.

Submission:

Labcorp Genetics (formerly Invitae), Labcorp
Classification: Pathogenic for Primary ciliary dyskinesia. Last evaluated: 2019-08-22. Review status: criteria provided, single submitter. Criteria: Invitae Variant Classification Sherloc (09022015). Collection method: clinical testing. Allele origin: germline.
Comment: This variant is a deletion of the genomic region encompassing exons 23-27 and part of exon 28 (c.3396+1997_4506del) of the DNAH5 gene. It is expected to disrupt RNA splicing and likely results in an absent or disrupted protein product. This variant has been observed in individual(s) with primary ciliary dyskinesia (Invitae). In at least one individual the data is consistent with the variant being in trans (on the opposite chromosome) from a pathogenic variant. Loss-of-function variants in DNAH5 are known to be pathogenic (PMID: 11788826, 16627867). For these reasons, this variant has been classified as Pathogenic.

NC_000005.10:g.13864487_13874687del

Gene: DNAH5 (dynein axonemal heavy chain 5; minus strand).
Variant type: Deletion.
Identifiers: ClinVar variation 948012 (VCV000948012.1).